The following is an entry in ClinVar:

NM_001127222.2(CACNA1A):c.5780_5783dup (p.Ile1929fs)

Gene: CACNA1A (calcium voltage-gated channel subunit alpha1 A; minus strand). Cytogenetic location: 19p13.13.
Variant type: Duplication.
Coding change: c.5780_5783dup on transcript NM_001127222.2 (MANE Select); coding-DNA positions 5780 to 5783, 4 bases duplicated (TGGC; older notation c.5780_5783dupTGGC).
Protein change: p.Ile1929fs; shifts the reading frame from isoleucine 1929.
Molecular consequence: frameshift variant.
Genome position (GRCh38, 1-based): chr19:13,214,557-13,214,560, GCCA duplicated on the plus strand (TGGC on the coding strand, the reverse complement: CACNA1A is on the minus strand). VCF-style (leftmost placement, unchanged base first): chr19-13214556-C-CGCCA. GRCh37 (hg19) VCF-style: chr19-13325370-C-CGCCA.
Other names: c.5798_5801dup, p.Ile1935fs (NM_000068.4, NM_023035.3); c.5783_5786dup, p.Ile1930fs (NM_001127221.2); c.5789_5792dup, p.Ile1932fs (NM_001174080.2); short protein forms I1929fs, I1930fs, I1932fs, I1935fs.
Identifiers: ClinVar variation 2631396 (VCV002631396.2), dbSNP rs2512544978, ClinGen allele CA2695198144.
Genomic context (GRCh38, chr19:13,214,556, plus strand): 5'-CTTACACTTGTGAGGTGTGACCAGCAGGTCTAGCGTCTTCTGGGACAGATTGGGCCAAAT[C>CGCCA]GCCATCATCTCCTTCCGCAGCTCAGCGTCCATCTGCTGTTTGTCGGCTCCTCCTGCAATG-3'

ClinVar aggregate classification (germline): Likely pathogenic (1 of 4 stars; one submission).

Conditions:
CACNA1A-related disorder. Also called: CACNA1A-related condition.

Submission:

PreventionGenetics, part of Exact Sciences
Classification: Likely pathogenic for CACNA1A-related condition. Last evaluated: 2025-05-22. Review status: criteria provided, single submitter. Criteria: ACMG Guidelines, 2015. Collection method: clinical testing. Allele origin: germline.
Comment: The CACNA1A c.5780_5783dupTGGC variant is predicted to result in a frameshift and premature protein termination (p.Ile1929Glyfs*134). To our knowledge, this variant has not been reported in the literature or in a large population database (gnomAD), indicating this variant is rare. Frameshift variants in CACNA1A are expected to be pathogenic. This variant is interpreted as likely pathogenic.